The following is an entry in ClinVar:

ClinVar aggregate classification (germline): Conflicting classifications of pathogenicity. Review status: criteria provided, conflicting classifications (1 of 4 stars). 3 submissions from 3 submitters: Likely pathogenic (1); Uncertain significance (2). Last evaluated 2025-10-01.

Conditions:
APC-related attenuated familial adenomatous polyposis. Identifiers: MedGen CN276349, MONDO:0016613.
Hereditary cancer-predisposing syndrome. Also called: Hereditary neoplastic syndrome; Neoplastic Syndromes, Hereditary; Tumor predisposition; Hereditary Cancer Syndrome. Identifiers: Orphanet 140162, MedGen C0027672, MeSH D009386, MONDO:0015356.
Familial adenomatous polyposis 1 (FAP1). Also called: FAMILIAL ADENOMATOUS POLYPOSIS 1, ATTENUATED; POLYPOSIS, ADENOMATOUS INTESTINAL. Identifiers: MedGen C2713442, MONDO:0021056, OMIM 175100. Disease mechanism: loss of function.

Allele frequency attached by ClinVar (database versions not stated): gnomAD exomes below 0.00001 and 0.00001; ExAC 0.00001.
gnomAD v4.1: 3 of 1,613,426 alleles (0.00019%); highest among the groups gnomAD compares: East Asian, 0.0022%; no homozygotes.

Submissions (3):

Labcorp Genetics (formerly Invitae), Labcorp
Classification: Uncertain significance for Familial adenomatous polyposis 1. Last evaluated: 2025-10-01. Review status: criteria provided, single submitter. Criteria: Invitae Variant Classification Sherloc (09022015). Collection method: clinical testing. Allele origin: germline.
Comment: This sequence change replaces serine, which is neutral and polar, with cysteine, which is neutral and slightly polar, at codon 2537 of the APC protein (p.Ser2537Cys). This variant is present in population databases (rs758106362, gnomAD 0.0009%). This variant has not been reported in the literature in individuals affected with APC-related conditions. ClinVar contains an entry for this variant (Variation ID: 186116). Invitae Evidence Modeling of protein sequence and biophysical properties (such as structural, functional, and spatial information, amino acid conservation, physicochemical variation, residue mobility, and thermodynamic stability) indicates that this missense variant is not expected to disrupt APC protein function with a negative predictive value of 95%. In summary, the available evidence is currently insufficient to determine the role of this variant in disease. Therefore, it has been classified as a Variant of Uncertain Significance.

Dipartimento Di Medicina Di Precisione, Università Degli Studi Della Campania Luigi Vanvitelli
Classification: Likely pathogenic for APC-related attenuated familial adenomatous polyposis. Last evaluated: 2025-09-26. Review status: criteria provided, single submitter. Criteria: ACMG Guidelines, 2015. Collection method: clinical testing. Allele origin: germline. Inheritance: Autosomal dominant inheritance. Affected: yes. Observed: 1 heterozygote.
Comment: The missense variant NM_000038.6(APC):c.7610C>G (p.Ser2537Cys) affects a conserved residue in exon 16 of APC, within the β-catenin/axin binding region. According to Caliendo et al., 2025 (Prevalence of MUTYH Monoallelic Variants in Patients With Hereditary Cancer Using Multigene Panel Testing), the variant was classified as Likely Pathogenic based on concordant in silico predictions and absence in population databases. Although no functional or segregation data are currently available, the concordance of computational evidence and absence from the general population support the reclassification of this variant as Likely Pathogenic (LP) according to ACMG/AMP guidelines

Ambry Genetics
Classification: Uncertain significance for Hereditary cancer-predisposing syndrome. Last evaluated: 2025-08-30. Review status: criteria provided, single submitter. Criteria: Ambry Variant Classification Scheme 2023. Collection method: clinical testing. Allele origin: germline.
Comment: The p.S2537C variant (also known as c.7610C>G), located in coding exon 15 of the APC gene, results from a C to G substitution at nucleotide position 7610. The serine at codon 2537 is replaced by cysteine, an amino acid with dissimilar properties. This amino acid position is highly conserved in available vertebrate species. In addition, in silico predictors for this gene do not accurately predict pathogenicity. Since supporting evidence is limited at this time, the clinical significance of this alteration remains unclear.

Literature cited by the submitters: DOI 10.1002/cam4.71231 (cited by Dipartimento Di Medicina Di Precisione, Università Degli Studi Della Campania Luigi Vanvitelli).

NM_000038.6(APC):c.7610C>G (p.Ser2537Cys)

Gene: APC (APC regulator of Wnt signaling pathway; plus strand). Cytogenetic location: 5q22.2.
Variant type: single nucleotide variant.
Coding change: c.7610C>G on transcript NM_000038.6 (MANE Select); coding-DNA position 7610, C replaced by G.
Protein change: p.Ser2537Cys; replaces serine 2537 with cysteine.
Molecular consequence: missense variant.
Genome position (GRCh38, 1-based): chr5:112,843,204, C>G. VCF-style: chr5-112843204-C-G. GRCh37 (hg19) VCF-style: chr5-112178901-C-G.
Other names: (p.Ser2537Cys); c.7610C>G, p.Ser2537Cys (NM_001127510.3, NM_001354895.2); c.7556C>G, p.Ser2519Cys (NM_001127511.3); c.7664C>G, p.Ser2555Cys (NM_001354896.2); c.7640C>G, p.Ser2547Cys (NM_001354897.2); c.7535C>G, p.Ser2512Cys (NM_001354898.2); c.7526C>G, p.Ser2509Cys (NM_001354899.2); c.7487C>G, p.Ser2496Cys (NM_001354900.2); and 6 more; short protein forms S2519C, S2537C, S2411C, S2509C, S2547C, S2254C, S2377C, S2436C.
Identifiers: ClinVar variation 186116 (VCV000186116.14), dbSNP rs758106362, ClinGen allele CA013935.